The following is an entry in ClinVar:

ClinVar aggregate classification (germline): Uncertain significance. Review status: criteria provided, multiple submitters, no conflicts (2 of 4 stars). 2 submissions from 2 submitters: Uncertain significance (2). Last evaluated 2025-11-02.

Conditions:
Inborn genetic diseases. Identifiers: MedGen C0950123, MeSH D030342.

gnomAD v4.1: 4 of 1,611,668 alleles (0.00025%); highest among the groups gnomAD compares: Admixed American, 0.0067%; no homozygotes.

Submissions (2):

Ambry Genetics
Classification: Uncertain significance for Inborn genetic diseases. Last evaluated: 2025-11-02. Review status: criteria provided, single submitter. Criteria: Ambry Variant Classification Scheme 2023. Collection method: clinical testing. Allele origin: germline.

Labcorp Genetics (formerly Invitae), Labcorp
Classification: Uncertain significance. Last evaluated: 2024-11-05. Review status: criteria provided, single submitter. Criteria: Invitae Variant Classification Sherloc (09022015). Collection method: clinical testing. Allele origin: germline.
Comment: This sequence change replaces valine, which is neutral and non-polar, with leucine, which is neutral and non-polar, at codon 435 of the EYS protein (p.Val435Leu). This variant is not present in population databases (gnomAD no frequency). This variant has not been reported in the literature in individuals affected with EYS-related conditions. ClinVar contains an entry for this variant (Variation ID: 1409509). Invitae Evidence Modeling of protein sequence and biophysical properties (such as structural, functional, and spatial information, amino acid conservation, physicochemical variation, residue mobility, and thermodynamic stability) indicates that this missense variant is not expected to disrupt EYS protein function with a negative predictive value of 80%. In summary, the available evidence is currently insufficient to determine the role of this variant in disease. Therefore, it has been classified as a Variant of Uncertain Significance.

NM_001142800.2(EYS):c.1303G>C (p.Val435Leu)

Gene: EYS (EGF-like photoreceptor maintenance factor; minus strand). Cytogenetic location: 6q12.
Variant type: single nucleotide variant.
Coding change: c.1303G>C on transcript NM_001142800.2 (MANE Select); coding-DNA position 1303, G replaced by C.
Protein change: p.Val435Leu; replaces valine 435 with leucine.
Molecular consequence: missense variant.
Genome position (GRCh38, 1-based): chr6:65,353,614, C>G on the plus strand (G>C on the coding strand, the complement: EYS is on the minus strand). VCF-style: chr6-65353614-C-G. GRCh37 (hg19) VCF-style: chr6-66063507-C-G.
Other names: c.1303G>C, p.Val435Leu (NM_001142801.2, NM_001292009.2, NM_198283.2); c.1303G>C (NM_001142800.1); short protein forms V435L.
Identifiers: ClinVar variation 1409509 (VCV001409509.8), dbSNP rs748235223, ClinGen allele CA139845704.